The following is an entry in ClinVar:

NM_022065.5(THADA):c.861C>T (p.Pro287=)

Gene: THADA (THADA armadillo repeat containing; minus strand). Cytogenetic location: 2p21.
Variant type: single nucleotide variant.
Coding change: c.861C>T on transcript NM_022065.5 (MANE Select); coding-DNA position 861, C replaced by T.
Protein change: p.Pro287=; no amino-acid change (proline 287 retained).
Molecular consequence: synonymous variant. On other transcripts: non-coding transcript variant (2), intron variant (1).
Genome position (GRCh38, 1-based): chr2:43,577,198, G>A on the plus strand (C>T on the coding strand, the complement: THADA is on the minus strand). VCF-style: chr2-43577198-G-A. GRCh37 (hg19) VCF-style: chr2-43804337-G-A.
Other names: c.861C>T, p.Pro287= (NM_001083953.2, NM_001271643.2, NM_001271644.2 and 2 more transcripts); c.-10C>T (NM_198554.1); c.817-76C>T (NM_001345924.2).
Identifiers: ClinVar variation 3034755 (VCV003034755.2), dbSNP rs201687277, ClinGen allele CA1633462.
Genomic context (GRCh38, chr2:43,577,198, plus strand): 5'-GACAGCTGACTGAGAGATGTCACCACAACAGAGGCTCCTGCAGCTGCTCATAAACCACTC[G>A]GGGACACTGGTGCAGTCCACTGAACGAAGCAGCACACTGCTAATCTGGAAAAATATAGCA-3'
Protein context (NP_071348.3, residues 277-297): LLRSVDCTSV[Pro287=]EWFMSSCRSL

ClinVar aggregate classification (germline): Likely benign (0 of 4 stars; one submission).

Conditions:
THADA-related disorder. Also called: THADA-related condition.

Allele frequency attached by ClinVar (database versions not stated): ESP Exome Variant Server 0.00049.
gnomAD v4.1: 1,023 of 1,602,542 alleles (0.064%); highest among the groups gnomAD compares: Non-Finnish European, 0.083%; 1 homozygote.

Submission:

PreventionGenetics, part of Exact Sciences
Classification: Likely benign for THADA-related condition. Last evaluated: 2019-08-10. Review status: no assertion criteria provided. Collection method: clinical testing. Allele origin: germline.
Comment: This variant is classified as likely benign based on ACMG/AMP sequence variant interpretation guidelines (Richards et al. 2015 PMID: 25741868, with internal and published modifications).